The following is an entry in ClinVar:

ClinVar aggregate classification (germline): Uncertain significance (1 of 4 stars; one submission).

Submission:

GeneDx
Classification: Uncertain significance. Last evaluated: 2024-05-17. Review status: criteria provided, single submitter. Criteria: GeneDx Variant Classification Process June 2021. Collection method: clinical testing. Allele origin: germline. Affected: yes.
Comment: Not observed at significant frequency in large population cohorts (gnomAD); Nonsense variant predicted to result in protein truncation or nonsense mediated decay in a gene or region of a gene for which loss of function is not a well-established mechanism of disease; Has not been previously published as pathogenic or benign to our knowledge

NM_001376.5(DYNC1H1):c.1291C>T (p.Gln431Ter)

Gene: DYNC1H1 (dynein cytoplasmic 1 heavy chain 1; plus strand). Cytogenetic location: 14q32.31.
Variant type: single nucleotide variant.
Coding change: c.1291C>T on transcript NM_001376.5 (MANE Select); coding-DNA position 1291, C replaced by T.
Protein change: p.Gln431Ter; replaces glutamine 431 with a stop codon.
Molecular consequence: nonsense.
Genome position (GRCh38, 1-based): chr14:101,983,439, C>T. VCF-style: chr14-101983439-C-T. GRCh37 (hg19) VCF-style: chr14-102449776-C-T.
Other names: short protein forms Q431*.
Identifiers: ClinVar variation 1311102 (VCV001311102.3), dbSNP rs2141272515, ClinGen allele CA391015005.